The following is an entry in ClinVar:

NM_000059.4(BRCA2):c.3064C>T (p.His1022Tyr)

Gene: BRCA2 (BRCA2 DNA repair associated; plus strand). Cytogenetic location: 13q13.1.
Variant type: single nucleotide variant.
Coding change: c.3064C>T on transcript NM_000059.4 (MANE Select); coding-DNA position 3064, C replaced by T.
Protein change: p.His1022Tyr; replaces histidine 1022 with tyrosine.
Molecular consequence: missense variant.
Genome position (GRCh38, 1-based): chr13:32,337,419, C>T. VCF-style: chr13-32337419-C-T. GRCh37 (hg19) VCF-style: chr13-32911556-C-T.
Other names: short protein forms H1022Y.
Identifiers: ClinVar variation 483043 (VCV000483043.22), dbSNP rs765882871, ClinGen allele CA6940658.

ClinVar aggregate classification (germline): Conflicting classifications of pathogenicity. Review status: criteria provided, conflicting classifications (1 of 4 stars). 6 submissions from 6 submitters: Uncertain significance (5); Likely benign (1). Last evaluated 2024-07-20.

Conditions:
BRCA2-related cancer predisposition. Identifiers: MedGen CN377758, MONDO:0700269.
Hereditary cancer-predisposing syndrome. Also called: Hereditary neoplastic syndrome; Neoplastic Syndromes, Hereditary; Tumor predisposition; Hereditary Cancer Syndrome. Identifiers: Orphanet 140162, MedGen C0027672, MeSH D009386, MONDO:0015356.
Breast-ovarian cancer, familial, susceptibility to, 2 (BROVCA2). Also called: BRCA2 Hereditary Breast and Ovarian Cancer. Identifiers: Orphanet 145, MedGen C2675520, MONDO:0012933, OMIM 612555. Disease mechanism: loss of function.
Familial cancer of breast. Also called: BREAST CANCER, FAMILIAL; Hereditary breast cancer; hereditary breast carcinoma. Identifiers: Orphanet 227535, MedGen C0346153, MONDO:0016419, OMIM 114480. Disease mechanism: loss of function.
Hereditary breast ovarian cancer syndrome. Also called: Hereditary breast and ovarian cancer syndrome (HBOC); Breast and ovarian cancer; Hereditary breast and ovarian cancer syndrome; Hereditary breast and ovarian cancer; Hereditary breast and/or ovarian cancer syndrome; BRCA1- and BRCA2-Associated Hereditary Breast and Ovarian Cancer. Identifiers: Orphanet 145, MedGen C0677776, MeSH D061325, MONDO:0003582. Disease mechanism: loss of function.

Allele frequency attached by ClinVar (database versions not stated): gnomAD exomes below 0.00001; TOPMed below 0.00001; ExAC 0.00001.
gnomAD v4.1: 4 of 1,613,132 alleles (0.00025%); highest among the groups gnomAD compares: South Asian, 0.0022%; no homozygotes.

Submissions (6):

All of Us Research Program, National Institutes of Health
Classification: Uncertain significance for BRCA2-related cancer predisposition. Last evaluated: 2024-07-20. Review status: criteria provided, single submitter. Criteria: ACMG Guidelines, 2015. Collection method: clinical testing. Allele origin: germline. Inheritance: Autosomal dominant inheritance. Observed: 1 variant allele, 1 heterozygote.
Comment: This missense variant replaces histidine with tyrosine at codon 1022 of the BRCA2 protein. Computational prediction suggests that this variant may not impact protein structure and function. To our knowledge, functional studies have not been reported for this variant. This variant has been reported in a multifactorial analysis with co-occurrence and family history likelihood ratios for pathogenicity of 1.0246 and 1.3183, respectively (PMID: 31131967). This variant has been identified in 1/250264 chromosomes in the general population by the Genome Aggregation Database (gnomAD). The available evidence is insufficient to determine the role of this variant in disease conclusively. Therefore, this variant is classified as a Variant of Uncertain Significance.

This study involves interpretation of variants in research participants for the purpose of population health screening. Participant phenotype was not available at the time of variant classification. Additional details can be found in publication PMID: 35346344, PMCID: PMC8962531

Color Diagnostics, LLC DBA Color Health
Classification: Uncertain significance for Hereditary cancer-predisposing syndrome. Last evaluated: 2024-07-03. Review status: criteria provided, single submitter. Criteria: ACMG Guidelines, 2015. Collection method: clinical testing. Allele origin: germline.
Comment: This missense variant replaces histidine with tyrosine at codon 1022 of the BRCA2 protein. Computational prediction suggests that this variant may not impact protein structure and function. To our knowledge, functional studies have not been reported for this variant. This variant has been reported in a multifactorial analysis with co-occurrence and family history likelihood ratios for pathogenicity of 1.0246 and 1.3183, respectively (PMID: 31131967). This variant has been identified in 1/250264 chromosomes in the general population by the Genome Aggregation Database (gnomAD). The available evidence is insufficient to determine the role of this variant in disease conclusively. Therefore, this variant is classified as a Variant of Uncertain Significance.

Labcorp Genetics (formerly Invitae), Labcorp
Classification: Uncertain significance for Hereditary breast ovarian cancer syndrome. Last evaluated: 2024-04-06. Review status: criteria provided, single submitter. Criteria: Invitae Variant Classification Sherloc (09022015). Collection method: clinical testing. Allele origin: germline.
Comment: This sequence change replaces histidine, which is basic and polar, with tyrosine, which is neutral and polar, at codon 1022 of the BRCA2 protein (p.His1022Tyr). This variant is present in population databases (rs765882871, gnomAD 0.003%). This variant has not been reported in the literature in individuals affected with BRCA2-related conditions. ClinVar contains an entry for this variant (Variation ID: 483043). Advanced modeling of protein sequence and biophysical properties (such as structural, functional, and spatial information, amino acid conservation, physicochemical variation, residue mobility, and thermodynamic stability) performed at Invitae indicates that this missense variant is not expected to disrupt BRCA2 protein function with a negative predictive value of 95%. In summary, the available evidence is currently insufficient to determine the role of this variant in disease. Therefore, it has been classified as a Variant of Uncertain Significance.

University of Washington Department of Laboratory Medicine, University of Washington
Classification: Likely benign for Hereditary cancer-predisposing syndrome. Last evaluated: 2023-03-23. Review status: criteria provided, single submitter. Criteria: Dines et al. (Genet Med. 2020). Collection method: curation. Allele origin: germline.
Comment: Missense variant in a coldspot region where missense variants are very unlikely to be pathogenic (PMID:31911673).

BRCA2 exon 11 coldspot. Reclassification based on statistical prior probability.

Department of Pathology and Laboratory Medicine, Sinai Health System
Classification: Uncertain significance for Familial cancer of breast; Breast-ovarian cancer, familial, susceptibility to, 2. Last evaluated: 2022-01-13. Review status: criteria provided, single submitter. Criteria: ACMG Guidelines, 2015. Collection method: clinical testing. Allele origin: germline. Affected: yes.

Ambry Genetics
Classification: Uncertain significance for Hereditary cancer-predisposing syndrome. Last evaluated: 2021-08-31. Review status: criteria provided, single submitter. Criteria: Ambry Variant Classification Scheme 2023. Collection method: clinical testing. Allele origin: germline.
Comment: The p.H1022Y variant (also known as c.3064C>T), located in coding exon 10 of the BRCA2 gene, results from a C to T substitution at nucleotide position 3064. The histidine at codon 1022 is replaced by tyrosine, an amino acid with similar properties. This amino acid position is not well conserved in available vertebrate species. In addition, this alteration is predicted to be tolerated by in silico analysis. Since supporting evidence is limited at this time, the clinical significance of this alteration remains unclear.

Literature cited by the submitters: PubMed 31131967 (cited by All of Us Research Program, National Institutes of Health and Color Diagnostics, LLC DBA Color Health).